The following is an entry in ClinVar:

NM_006950.3(SYN1):c.1917A>G (p.Lys639=)

Gene: SYN1 (synapsin I; minus strand). Cytogenetic location: Xp11.3.
Variant type: single nucleotide variant.
Coding change: c.1917A>G on transcript NM_006950.3 (MANE Select); coding-DNA position 1917, A replaced by G.
Protein change: p.Lys639=; no amino-acid change (lysine 639 retained).
Molecular consequence: synonymous variant.
Genome position (GRCh38, 1-based): chrX:47,574,067, T>C on the plus strand (A>G on the coding strand, the complement: SYN1 is on the minus strand). VCF-style: chrX-47574067-T-C. GRCh37 (hg19) VCF-style: chrX-47433466-T-C.
Other names: c.1917A>G, p.Lys639= (NM_133499.2).
Identifiers: ClinVar variation 4995954 (VCV004995954.1).

ClinVar aggregate classification (germline): Likely benign (1 of 4 stars; one submission).

Conditions:
SYN1-related disorder. Also called: SYN1-related condition; SYN1-Related Disorders.

Submission:

PreventionGenetics, part of Exact Sciences
Classification: Likely benign for SYN1-related condition. Last evaluated: 2026-08-02. Review status: criteria provided, single submitter. Criteria: ACMG Guidelines, 2015. Collection method: clinical testing. Allele origin: germline.
Comment: This variant is classified as likely benign based on ACMG/AMP sequence variant interpretation guidelines (Richards et al. 2015 PMID: 25741868, with internal and published modifications).